The following is an entry in ClinVar:

ClinVar aggregate classification (germline): Uncertain significance. Review status: criteria provided, multiple submitters, no conflicts (2 of 4 stars). 3 submissions from 3 submitters: Uncertain significance (3). Last evaluated 2025-02-12.

Conditions:
Desmosterolosis. Identifiers: Orphanet 35107, MedGen C1865596, MONDO:0011217, OMIM 602398.
Inborn genetic diseases. Identifiers: MedGen C0950123, MeSH D030342.

Allele frequency attached by ClinVar (database versions not stated): gnomAD exomes below 0.00001.
gnomAD v4.1: 5 of 1,614,206 alleles (0.00031%); highest among the groups gnomAD compares: Non-Finnish European, 0.00042%; no homozygotes.

Submissions (3):

3billion
Classification: Uncertain significance for Desmosterolosis. Last evaluated: 2025-02-12. Review status: criteria provided, single submitter. Criteria: ACMG Guidelines, 2015. Collection method: clinical testing. Allele origin: germline. Affected: yes.
Comment: The variant is observed at an extremely low frequency in the gnomAD v4.1.0 dataset (total allele frequency: <0.001%). Predicted Consequence/Location: Missense variant In silico tool predictions suggest damaging effect of the variant on gene or gene product [REVEL: 0.83 (>=0.6, sensitivity 0.68 and specificity 0.92)]. The variant has been reported as of uncertain significance (ClinVar ID: VCV002789015). Therefore, this variant is classified as VUS according to the recommendation of ACMG/AMP guideline.

Ambry Genetics
Classification: Uncertain significance for Inborn genetic diseases. Last evaluated: 2024-09-08. Review status: criteria provided, single submitter. Criteria: Ambry Variant Classification Scheme 2023. Collection method: clinical testing. Allele origin: germline.

Labcorp Genetics (formerly Invitae), Labcorp
Classification: Uncertain significance. Last evaluated: 2023-03-11. Review status: criteria provided, single submitter. Criteria: Invitae Variant Classification Sherloc (09022015). Collection method: clinical testing. Allele origin: germline.
Comment: In summary, the available evidence is currently insufficient to determine the role of this variant in disease. Therefore, it has been classified as a Variant of Uncertain Significance. Advanced modeling of protein sequence and biophysical properties (such as structural, functional, and spatial information, amino acid conservation, physicochemical variation, residue mobility, and thermodynamic stability) performed at Invitae indicates that this missense variant is not expected to disrupt DHCR24 protein function. This variant has not been reported in the literature in individuals affected with DHCR24-related conditions. This variant is not present in population databases (gnomAD no frequency). This sequence change replaces glycine, which is neutral and non-polar, with arginine, which is basic and polar, at codon 105 of the DHCR24 protein (p.Gly105Arg).

NM_014762.4(DHCR24):c.313G>A (p.Gly105Arg)

Gene: DHCR24 (24-dehydrocholesterol reductase; minus strand). Cytogenetic location: 1p32.3.
Variant type: single nucleotide variant.
Coding change: c.313G>A on transcript NM_014762.4 (MANE Select); coding-DNA position 313, G replaced by A.
Protein change: p.Gly105Arg; replaces glycine 105 with arginine.
Molecular consequence: missense variant.
Genome position (GRCh38, 1-based): chr1:54,883,692, C>T on the plus strand (G>A on the coding strand, the complement: DHCR24 is on the minus strand). VCF-style: chr1-54883692-C-T. GRCh37 (hg19) VCF-style: chr1-55349365-C-T.
Other names: c.313G>A (NM_014762.3); short protein forms G105R.
Identifiers: ClinVar variation 2789015 (VCV002789015.5), dbSNP rs1557440936, ClinGen allele CA340464827.